The following is an entry in ClinVar:

NM_000553.6(WRN):c.1486A>T (p.Lys496Ter)

Gene: WRN (WRN RecQ like helicase; plus strand). Cytogenetic location: 8p12.
Variant type: single nucleotide variant.
Coding change: c.1486A>T on transcript NM_000553.6 (MANE Select); coding-DNA position 1486, A replaced by T.
Protein change: p.Lys496Ter; replaces lysine 496 with a stop codon.
Molecular consequence: nonsense.
Genome position (GRCh38, 1-based): chr8:31,087,830, A>T. VCF-style: chr8-31087830-A-T. GRCh37 (hg19) VCF-style: chr8-30945346-A-T.
Other names: short protein forms K496*.
Identifiers: ClinVar variation 835120 (VCV000835120.7), dbSNP rs751969803, ClinGen allele CA4704384.
Genomic context (GRCh38, chr8:31,087,830, plus strand): 5'-TTTCAGTCTTTAGAAAACCTCAATAGTGGCACGGTAGAACCAACTCATTCTAAATGCTTA[A>T]AAATGGAAAGAAATCTGGGTCTTCCTACTAAAGAAGAAGAAGAAGATGATGAAAATGAAG-3'

ClinVar aggregate classification (germline): Pathogenic. Review status: criteria provided, multiple submitters, no conflicts (2 of 4 stars). 2 submissions from 2 submitters: Pathogenic (2). Last evaluated 2023-11-12.

Conditions:
Werner syndrome (WRN). Identifiers: Orphanet 902, MedGen C0043119, MONDO:0010196, OMIM 277700.

Allele frequency attached by ClinVar (database versions not stated): gnomAD exomes 0.00001; TOPMed 0.00001; ExAC 0.00002.
gnomAD v4.1: 5 of 1,613,802 alleles (0.00031%); highest among the groups gnomAD compares: Admixed American, 0.0033%; no homozygotes.

Submissions (2):

Baylor Genetics
Classification: Pathogenic for Werner syndrome. Last evaluated: 2023-11-12. Review status: criteria provided, single submitter. Criteria: ACMG Guidelines, 2015. Collection method: clinical testing. Allele origin: unknown.

Labcorp Genetics (formerly Invitae), Labcorp
Classification: Pathogenic for Werner syndrome. Last evaluated: 2022-07-20. Review status: criteria provided, single submitter. Criteria: Invitae Variant Classification Sherloc (09022015). Collection method: clinical testing. Allele origin: germline.
Comment: For these reasons, this variant has been classified as Pathogenic. ClinVar contains an entry for this variant (Variation ID: 835120). This premature translational stop signal has been observed in individual(s) with Werner Syndrome (PMID: 16673358). This variant is present in population databases (rs751969803, gnomAD 0.003%). This sequence change creates a premature translational stop signal (p.Lys496*) in the WRN gene. It is expected to result in an absent or disrupted protein product. Loss-of-function variants in WRN are known to be pathogenic (PMID: 16673358).

Literature cited by the submitters: PubMed 16673358 (cited by Labcorp Genetics (formerly Invitae), Labcorp).